The following is an entry in ClinVar:

ClinVar aggregate classification (germline): Uncertain significance. Review status: criteria provided, multiple submitters, no conflicts (2 of 4 stars). 2 submissions from 2 submitters: Uncertain significance (2). Last evaluated 2022-08-14.

Allele frequency attached by ClinVar (database versions not stated): TOPMed 0.00001; 1000 Genomes Project 30x 0.00031.
gnomAD v4.1: 11 of 1,242,440 alleles (0.00089%); highest among the groups gnomAD compares: East Asian, 0.015%; no homozygotes.

Submissions (2):

Labcorp Genetics (formerly Invitae), Labcorp
Classification: Uncertain significance. Last evaluated: 2022-08-14. Review status: criteria provided, single submitter. Criteria: Invitae Variant Classification Sherloc (09022015). Collection method: clinical testing. Allele origin: germline.
Comment: In summary, the available evidence is currently insufficient to determine the role of this variant in disease. Therefore, it has been classified as a Variant of Uncertain Significance. Algorithms developed to predict the effect of missense changes on protein structure and function are either unavailable or do not agree on the potential impact of this missense change (SIFT: "Tolerated"; PolyPhen-2: "Not Available"; Align-GVGD: "Class C0"). This variant has not been reported in the literature in individuals affected with GLRX5-related conditions. This variant is not present in population databases (gnomAD no frequency). This sequence change replaces arginine, which is basic and polar, with leucine, which is neutral and non-polar, at codon 14 of the GLRX5 protein (p.Arg14Leu).

Ambry Genetics
Classification: Uncertain significance. Last evaluated: 2022-01-19. Review status: criteria provided, single submitter. Criteria: Ambry Variant Classification Scheme 2023. Collection method: clinical testing. Allele origin: germline.

NM_016417.3(GLRX5):c.41G>T (p.Arg14Leu)

Gene: GLRX5 (glutaredoxin 5; plus strand). Cytogenetic location: 14q32.13.
Variant type: single nucleotide variant.
Coding change: c.41G>T on transcript NM_016417.3 (MANE Select); coding-DNA position 41, G replaced by T.
Protein change: p.Arg14Leu; replaces arginine 14 with leucine.
Molecular consequence: missense variant.
Genome position (GRCh38, 1-based): chr14:95,535,130, G>T. VCF-style: chr14-95535130-G-T. GRCh37 (hg19) VCF-style: chr14-96001467-G-T.
Other names: c.41G>T (NM_016417.2); short protein forms R14L.
Identifiers: ClinVar variation 2194437 (VCV002194437.4), dbSNP rs375714975, ClinGen allele CA265962734.